The following is an entry in ClinVar:

NM_003823.4(TNFRSF6B):c.764T>C (p.Leu255Pro)

Genes: RTEL1-TNFRSF6B (RTEL1-TNFRSF6B readthrough (NMD candidate); plus strand), TNFRSF6B (TNF receptor superfamily member 6b; plus strand). Cytogenetic location: 20q13.33.
Variant type: single nucleotide variant.
Coding change: c.764T>C on transcript NM_003823.4 (MANE Select); coding-DNA position 764, T replaced by C.
Protein change: p.Leu255Pro; replaces leucine 255 with proline.
Molecular consequence: missense variant. On other transcripts: non-coding transcript variant (1).
Genome position (GRCh38, 1-based): chr20:63,698,424, T>C. VCF-style: chr20-63698424-T-C. GRCh37 (hg19) VCF-style: chr20-62329777-T-C.
Other names: short protein forms L255P.
Identifiers: ClinVar variation 2698792 (VCV002698792.3), dbSNP rs2517229210, ClinGen allele CA409712113.

ClinVar aggregate classification (germline): Uncertain significance (1 of 4 stars; one submission).

Submission:

Labcorp Genetics (formerly Invitae), Labcorp
Classification: Uncertain significance. Last evaluated: 2024-04-10. Review status: criteria provided, single submitter. Criteria: Invitae Variant Classification Sherloc (09022015). Collection method: clinical testing. Allele origin: germline.
Comment: This sequence change replaces leucine, which is neutral and non-polar, with proline, which is neutral and non-polar, at codon 255 of the TNFRSF6B protein (p.Leu255Pro). This variant is not present in population databases (gnomAD no frequency). This variant has not been reported in the literature in individuals affected with TNFRSF6B-related conditions. An algorithm developed to predict the effect of missense changes on protein structure and function (PolyPhen-2) suggests that this variant is likely to be tolerated. In summary, the available evidence is currently insufficient to determine the role of this variant in disease. Therefore, it has been classified as a Variant of Uncertain Significance.